The following is an entry in ClinVar:

NM_152268.4(PARS2):c.54C>T (p.Ser18=)

Gene: PARS2 (prolyl-tRNA synthetase 2, mitochondrial; minus strand). Cytogenetic location: 1p32.3.
Variant type: single nucleotide variant.
Coding change: c.54C>T on transcript NM_152268.4 (MANE Select); coding-DNA position 54, C replaced by T.
Protein change: p.Ser18=; no amino-acid change (serine 18 retained).
Molecular consequence: synonymous variant.
Genome position (GRCh38, 1-based): chr1:54,759,108, G>A on the plus strand (C>T on the coding strand, the complement: PARS2 is on the minus strand). VCF-style: chr1-54759108-G-A. GRCh37 (hg19) VCF-style: chr1-55224781-G-A.
Identifiers: ClinVar variation 1592655 (VCV001592655.33), dbSNP rs374449269, ClinGen allele CA869562.

ClinVar aggregate classification (germline): Likely benign. Review status: criteria provided, multiple submitters, no conflicts (2 of 4 stars). 3 submissions from 3 submitters: Likely benign (3). Last evaluated 2025-12-02.

Allele frequency attached by ClinVar (database versions not stated): gnomAD exomes 0.00001; ExAC 0.00002; gnomAD 0.00004; ESP Exome Variant Server 0.00008.
gnomAD v4.1: 21 of 1,609,590 alleles (0.0013%); highest among the groups gnomAD compares: Non-Finnish European, 0.0018%; no homozygotes.

Submissions (3):

Labcorp Genetics (formerly Invitae), Labcorp
Classification: Likely benign. Last evaluated: 2025-12-02. Review status: criteria provided, single submitter. Criteria: Invitae Variant Classification Sherloc (09022015). Collection method: clinical testing. Allele origin: germline.

Blueprint Genetics
Classification: Likely benign. Last evaluated: 2023-08-24. Review status: criteria provided, single submitter. Criteria: ACMG Guidelines, 2015. Collection method: clinical testing. Allele origin: germline.

CeGaT Center for Human Genetics Tuebingen
Classification: Likely benign. Last evaluated: 2023-01-01. Review status: criteria provided, single submitter. Criteria: CeGaT Center For Human Genetics Tuebingen Variant Classification Criteria Version 2. Collection method: clinical testing. Allele origin: germline. Affected: yes. Observed: 1 variant allele.
Comment: PARS2: BP4, BP7